The following is an entry in ClinVar:

ClinVar aggregate classification (germline): Uncertain significance. Review status: criteria provided, multiple submitters, no conflicts (2 of 4 stars). 2 submissions from 2 submitters: Uncertain significance (2). Last evaluated 2025-07-01.

Conditions:
Ataxia-telangiectasia syndrome (AT). Also called: Ataxia-telangiectasia, complementation group E; Cerebello-oculocutaneous telangiectasia; Immunodeficiency with ataxia telangiectasia; AT, COMPLEMENTATION GROUP C; ATAXIA-TELANGIECTASIA, COMPLEMENTATION GROUP A; ATAXIA-TELANGIECTASIA, FRESNO VARIANT. Identifiers: Orphanet 100, MedGen C0004135, MONDO:0008840, OMIM 208900.

Submissions (2):

CeGaT Center for Human Genetics Tuebingen
Classification: Uncertain significance. Last evaluated: 2025-07-01. Review status: criteria provided, single submitter. Criteria: CeGaT Center For Human Genetics Tuebingen Variant Classification Criteria Version 2. Collection method: clinical testing. Allele origin: germline. Affected: yes. Observed: 1 variant allele.
Comment: ATM: PM2, BP4

Labcorp Genetics (formerly Invitae), Labcorp
Classification: Uncertain significance for Ataxia-telangiectasia syndrome. Last evaluated: 2021-03-26. Review status: criteria provided, single submitter. Criteria: Invitae Variant Classification Sherloc (09022015). Collection method: clinical testing. Allele origin: germline.
Comment: This variant has not been reported in the literature in individuals with ATM-related conditions. In summary, the available evidence is currently insufficient to determine the role of this variant in disease. Therefore, it has been classified as a Variant of Uncertain Significance. Algorithms developed to predict the effect of sequence changes on RNA splicing suggest that this variant may create or strengthen a splice site, but this prediction has not been confirmed by published transcriptional studies. Advanced modeling of protein sequence and biophysical properties (such as structural, functional, and spatial information, amino acid conservation, physicochemical variation, residue mobility, and thermodynamic stability) performed at Invitae indicates that this missense variant is not expected to disrupt ATM protein function. This variant is not present in population databases (ExAC no frequency). This sequence change replaces lysine with arginine at codon 208 of the ATM protein (p.Lys208Arg). The lysine residue is weakly conserved and there is a small physicochemical difference between lysine and arginine.

NM_000051.4(ATM):c.623A>G (p.Lys208Arg)

Gene: ATM (ATM serine/threonine kinase; plus strand). Cytogenetic location: 11q22.3.
Variant type: single nucleotide variant.
Coding change: c.623A>G on transcript NM_000051.4 (MANE Select); coding-DNA position 623, A replaced by G.
Protein change: p.Lys208Arg; replaces lysine 208 with arginine.
Molecular consequence: missense variant.
Genome position (GRCh38, 1-based): chr11:108,244,079, A>G. VCF-style: chr11-108244079-A-G. GRCh37 (hg19) VCF-style: chr11-108114806-A-G.
Other names: c.623A>G, p.Lys208Arg (NM_001351834.2); short protein forms K208R.
Identifiers: ClinVar variation 1463275 (VCV001463275.16), dbSNP rs2135226282, ClinGen allele CA382528308.